The following is an entry in ClinVar:

NM_017433.5(MYO3A):c.2088_2094delinsCAA (p.Leu697fs)

Gene: MYO3A (myosin IIIA; plus strand). Cytogenetic location: 10p12.1.
Variant type: Indel.
Coding change: c.2088_2094delinsCAA on transcript NM_017433.5 (MANE Select); coding-DNA positions 2088 to 2094, TTTGTTG replaced by CAA.
Protein change: p.Leu697fs; shifts the reading frame from leucine 697.
Molecular consequence: frameshift variant.
Genome position (GRCh38, 1-based): chr10:26,125,582-26,125,588, TTTGTTG replaced by CAA. VCF-style: chr10-26125582-TTTGTTG-CAA. GRCh37 (hg19) VCF-style: chr10-26414511-TTTGTTG-CAA.
Other names: c.2088_2094delinsCAA (NM_017433.4); c.2088_2094delTTTGTTGinsCAA (NM_017433.4); short protein forms L697fs.
Identifiers: ClinVar variation 504438 (VCV000504438.3), dbSNP rs1554829642, ClinGen allele CA658797410.

ClinVar aggregate classification (germline): Conflicting classifications of pathogenicity. Review status: criteria provided, conflicting classifications (1 of 4 stars). 2 submissions from 2 submitters: Likely pathogenic (1); Uncertain significance (1). Last evaluated 2025-02-06.

Conditions:
MYO3A-related disorder. Also called: MYO3A-related condition.

Submissions (2):

PreventionGenetics, part of Exact Sciences
Classification: Likely pathogenic for MYO3A-related condition. Last evaluated: 2025-02-06. Review status: criteria provided, single submitter. Criteria: ACMG Guidelines, 2015. Collection method: clinical testing. Allele origin: germline.
Comment: The MYO3A c.2088_2094delinsCAA variant is predicted to result in a frameshift and premature protein termination (p.Leu697Lysfs*14). To our knowledge, this variant has not been reported in the literature or in a large population database (gnomAD), indicating this variant is rare. Frameshift variants in MYO3A are expected to be pathogenic. This variant is interpreted as likely pathogenic.

GeneDx
Classification: Uncertain significance. Last evaluated: 2018-02-26. Review status: criteria provided, single submitter. Criteria: GeneDx Variant Classification (06012015). Collection method: clinical testing. Allele origin: germline. Affected: yes.
Comment: The c.2088_2094delTTTGTTGinsCAA variant in the MYO3A gene has not been reported previously as a pathogenic variant nor as a benign variant, to our knowledge. The c.2088_2094delTTTGTTGinsCAA variant causes a frameshift starting with codon Leucine 697, changes this amino acid to a Lysine residue, and creates a premature Stop codon at position 14 of the new reading frame, denoted p.Leu697LysfsX14. This variant is predicted to cause loss of normal protein function either through protein truncation or nonsense-mediated mRNA decay. The c.2088_2094delTTTGTTGinsCAA variant is observed in 2/111440 (0.002%) alleles from individuals of non-Finnish European background in large population cohorts and no individuals were reported to be homozygous (Lek et al., 2016). We interpret c.2088_2094delTTTGTTGinsCAA as a variant of uncertain significance.